The following is an entry in ClinVar:

ClinVar aggregate classification (germline): Conflicting classifications of pathogenicity. Review status: criteria provided, conflicting classifications (1 of 4 stars). 2 submissions from 2 submitters: Likely pathogenic (1); Uncertain significance (1). Last evaluated 2024-02-20.

Conditions:
Autosomal recessive Alport syndrome (ATS2). Also called: Alport syndrome type 2; COL4A4 Alport Syndrome and Thin Basement Membrane Nephropathy; ALPORT SYNDROME 2, AUTOSOMAL RECESSIVE; COL4A3-Related Nephropathy. Identifiers: Orphanet 63, Orphanet 88919, MedGen C4746745, MONDO:0008762, OMIM 203780.
Hematuria, benign familial, 1 (BFH1). Also called: THIN MEMBRANE NEPHROPATHY. Identifiers: MedGen CN376803, MONDO:0007709, OMIM 141200.

Submissions (2):

Fulgent Genetics
Classification: Likely pathogenic for Hematuria, benign familial, 1; Autosomal recessive Alport syndrome. Last evaluated: 2024-02-20. Review status: criteria provided, single submitter. Criteria: ACMG Guidelines, 2015. Collection method: clinical testing. Allele origin: germline.

Labcorp Genetics (formerly Invitae), Labcorp
Classification: Uncertain significance. Last evaluated: 2022-12-23. Review status: criteria provided, single submitter. Criteria: Invitae Variant Classification Sherloc (09022015). Collection method: clinical testing. Allele origin: germline.
Comment: In summary, the available evidence is currently insufficient to determine the role of this variant in disease. Therefore, it has been classified as a Variant of Uncertain Significance. This variant has not been reported in the literature in individuals affected with COL4A4-related conditions. This variant is not present in population databases (gnomAD no frequency). This variant, c.3076_3078dup, results in the insertion of 1 amino acid(s) of the COL4A4 protein (p.Pro1026dup), but otherwise preserves the integrity of the reading frame.

NM_000092.5(COL4A4):c.3073CCT[3] (p.Pro1026_Gly1027insPro)

Gene: COL4A4 (collagen type IV alpha 4 chain; minus strand). Cytogenetic location: 2q36.3.
Variant type: Microsatellite.
Coding change: c.3073CCT[3] on transcript NM_000092.5 (MANE Select); three copies in a row of the 3-base unit CCT starting at c.3073; the reference has two copies in a row; one copy, 3 bases duplicated; also written c.3076_3078dup.
Protein change: p.Pro1026_Gly1027insPro.
Molecular consequence: inframe insertion.
Genome position (GRCh38, 1-based): chr2:227,051,049-227,051,051, AGG duplicated on the plus strand (CCT on the coding strand, the reverse complement: COL4A4 is on the minus strand); duplicating any 3 consecutive bases within chr2:227,051,049-227,051,054 gives the same sequence; the position shown is the placement nearest the transcript's 3' end. VCF-style (leftmost placement, unchanged base first): chr2-227051048-C-CAGG. GRCh37 (hg19) VCF-style: chr2-227915764-C-CAGG.
Other names: c.3076_3078dup (NM_000092.5).
Identifiers: ClinVar variation 2823670 (VCV002823670.4), dbSNP rs2473970855, ClinGen allele CA2739278182.